The following is an entry in ClinVar:

NM_004208.4(AIFM1):c.1107_1108delinsTA (p.Gln370Lys)

Genes: AIFM1 (apoptosis inducing factor mitochondria associated 1; minus strand), RAB33A (RAB33A, member RAS oncogene family; plus strand). Cytogenetic location: Xq26.1.
Variant type: Indel.
Coding change: c.1107_1108delinsTA on transcript NM_004208.4 (MANE Select); coding-DNA positions 1107 to 1108, GC replaced by TA.
Protein change: p.Gln370Lys; replaces glutamine 370 with lysine.
Molecular consequence: missense variant. On other transcripts: 3 prime UTR variant (1), non-coding transcript variant (1).
Genome position (GRCh38, 1-based): chrX:130,136,699-130,136,700, GC replaced by TA on the plus strand (GC replaced by TA on the coding strand, the reverse complement: AIFM1 is on the minus strand). VCF-style: chrX-130136699-GC-TA. GRCh37 (hg19) VCF-style: chrX-129270674-GC-TA.
Other names: c.90_91delinsTA, p.Gln31Lys (NM_001130846.4); c.*335_*336delinsTA (NM_001130847.4); c.1095_1096delinsTA, p.Gln366Lys (NM_145812.3); short protein forms Q31K, Q366K, Q370K.
Identifiers: ClinVar variation 4787049 (VCV004787049.1).

ClinVar aggregate classification (germline): Uncertain significance (1 of 4 stars; one submission).

Conditions:
Combined oxidative phosphorylation deficiency. Identifiers: MedGen C4540031, MONDO:0000732.
Charcot-Marie-Tooth Neuropathy X. Identifiers: MedGen CN118851.

Submission:

Labcorp Genetics (formerly Invitae), Labcorp
Classification: Uncertain significance for Charcot-Marie-Tooth Neuropathy X; Combined oxidative phosphorylation deficiency. Last evaluated: 2025-12-20. Review status: criteria provided, single submitter. Criteria: Invitae Variant Classification Sherloc (09022015). Collection method: clinical testing. Allele origin: germline.
Comment: This sequence change replaces glutamine, which is neutral and polar, with lysine, which is basic and polar, at codon 370 of the AIFM1 protein (p.Gln370Lys). Information on the frequency of this variant in the gnomAD database is not available, as this variant may be reported differently in the database. This variant has not been reported in the literature in individuals affected with AIFM1-related conditions. Experimental studies and prediction algorithms are not available or were not evaluated, and the functional significance of this variant is currently unknown. In summary, the available evidence is currently insufficient to determine the role of this variant in disease. Therefore, it has been classified as a Variant of Uncertain Significance.